The following is an entry in ClinVar:

ClinVar aggregate classification (germline): Uncertain significance (1 of 4 stars; one submission).

Submission:

GeneDx
Classification: Uncertain significance. Last evaluated: 2019-11-05. Review status: criteria provided, single submitter. Criteria: GeneDx Variant Classification Process June 2021. Collection method: clinical testing. Allele origin: germline. Affected: yes.
Comment: Not observed in large population cohorts (Lek et al., 2016); The majority of missense variants in this gene are considered pathogenic (Stenson et al., 2014); In silico analysis, which includes protein predictors and evolutionary conservation, supports that this variant does not alter protein structure/function; Has not been previously published as pathogenic or benign to our knowledge

NM_001184880.2(PCDH19):c.1918C>G (p.Leu640Val)

Gene: PCDH19 (protocadherin 19; minus strand). Cytogenetic location: Xq22.1.
Variant type: single nucleotide variant.
Coding change: c.1918C>G on transcript NM_001184880.2 (MANE Select); coding-DNA position 1918, C replaced by G.
Protein change: p.Leu640Val; replaces leucine 640 with valine.
Molecular consequence: missense variant.
Genome position (GRCh38, 1-based): chrX:100,406,680, G>C on the plus strand (C>G on the coding strand, the complement: PCDH19 is on the minus strand). VCF-style: chrX-100406680-G-C. GRCh37 (hg19) VCF-style: chrX-99661678-G-C.
Other names: c.1918C>G, p.Leu640Val (NM_001105243.2, NM_020766.3); short protein forms L640V.
Identifiers: ClinVar variation 1310049 (VCV001310049.2), dbSNP rs2147537509, ClinGen allele CA414001685.
Genomic context (GRCh38, chrX:100,406,680, plus strand): 5'-TTAGGACGAGAGCAGAGGCAGAGAGAGATGTCTTGCCGTGGTCGTGAGCCACCACGATAA[G>C]CTCATAGGAGGACTTGGAGCTCTCCCCGAAGGTGCGGGTGGTTCTGACTTCGCCATTGAC-3'
Protein context (NP_001171809.1, residues 630-650): FGESSKSSYE[Leu640Val]IVVAHDHGKT